The following is an entry in ClinVar:

ClinVar aggregate classification (germline): Uncertain significance. Review status: criteria provided, multiple submitters, no conflicts (2 of 4 stars). 2 submissions from 2 submitters: Uncertain significance (2). Last evaluated 2026-07-07.

Conditions:
Aniridia 1 (AN1). Identifiers: Orphanet 250923, MedGen C0344542, MONDO:0024507, OMIM 106210.
Irido-corneo-trabecular dysgenesis (ASGD5). Also called: ANTERIOR SEGMENT DYSGENESIS 5. Identifiers: Orphanet 708, MedGen C0344559, MONDO:0011414, OMIM 604229, HP:0000659.

Submissions (2):

GeneDx
Classification: Uncertain significance. Last evaluated: 2026-07-07. Review status: criteria provided, single submitter. Criteria: GeneDx Variant Classification Process June 2021. Collection method: clinical testing. Allele origin: germline.
Comment: Not observed at significant frequency in large population cohorts (gnomAD); In silico analysis supports that this missense variant has a deleterious effect on protein structure/function; Has not been previously published as pathogenic or benign to our knowledge

Labcorp Genetics (formerly Invitae), Labcorp
Classification: Uncertain significance for Aniridia 1; Irido-corneo-trabecular dysgenesis. Last evaluated: 2024-10-04. Review status: criteria provided, single submitter. Criteria: Invitae Variant Classification Sherloc (09022015). Collection method: clinical testing. Allele origin: germline.
Comment: This sequence change replaces glycine, which is neutral and non-polar, with aspartic acid, which is acidic and polar, at codon 13 of the PAX6 protein (p.Gly13Asp). This variant is not present in population databases (gnomAD no frequency). This variant has not been reported in the literature in individuals affected with PAX6-related conditions. Invitae Evidence Modeling of protein sequence and biophysical properties (such as structural, functional, and spatial information, amino acid conservation, physicochemical variation, residue mobility, and thermodynamic stability) indicates that this missense variant is expected to disrupt PAX6 protein function with a positive predictive value of 80%. This variant disrupts the p.Gly13 amino acid residue in PAX6. Other variant(s) that disrupt this residue have been determined to be pathogenic (PMID: 30167917). This suggests that this residue is clinically significant, and that variants that disrupt this residue are likely to be disease-causing. In summary, the available evidence is currently insufficient to determine the role of this variant in disease. Therefore, it has been classified as a Variant of Uncertain Significance.

Literature cited by the submitters: PubMed 30167917 (cited by Labcorp Genetics (formerly Invitae), Labcorp).

NM_001368894.2(PAX6):c.38G>A (p.Gly13Asp)

Gene: PAX6 (paired box 6; minus strand). Cytogenetic location: 11p13.
Variant type: single nucleotide variant.
Coding change: c.38G>A on transcript NM_001368894.2 (MANE Select); coding-DNA position 38, G replaced by A.
Protein change: p.Gly13Asp; replaces glycine 13 with aspartic acid.
Molecular consequence: missense variant. On other transcripts: 5 prime UTR variant (12), non-coding transcript variant (2), intron variant (2).
Genome position (GRCh38, 1-based): chr11:31,802,807, C>T on the plus strand (G>A on the coding strand, the complement: PAX6 is on the minus strand). VCF-style: chr11-31802807-C-T. GRCh37 (hg19) VCF-style: chr11-31824355-C-T.
Other names: c.38G>A, p.Gly13Asp (NM_000280.6, NM_001127612.3, NM_001258462.3 and 30 more transcripts); c.-744G>A (NM_001310160.2, NM_001368905.2); c.-413G>A (NM_001310161.3, NM_001368929.2, NM_001368900.2 and 2 more transcripts); c.-267-1031G>A (NM_001368909.2, NM_001368904.2); c.-371G>A (NM_001368899.2, NM_001368901.2, NM_001368906.2 and 1 more transcripts); c.-702G>A (NM_001368902.2); c.281G>A, p.Gly94Asp (NM_001368910.2); c.41G>A, p.Gly14Asp (NM_001368911.2); short protein forms G13D, G14D, G94D.
Identifiers: ClinVar variation 3253429 (VCV003253429.4), dbSNP rs1954548195.